The following is an entry in ClinVar:

NM_016363.5(GP6):c.140G>A (p.Arg47Gln)

Gene: GP6 (glycoprotein VI platelet; minus strand). Cytogenetic location: 19q13.42.
Variant type: single nucleotide variant.
Coding change: c.140G>A on transcript NM_016363.5 (MANE Select); coding-DNA position 140, G replaced by A.
Protein change: p.Arg47Gln; replaces arginine 47 with glutamine.
Molecular consequence: missense variant.
Genome position (GRCh38, 1-based): chr19:55,032,324, C>T on the plus strand (G>A on the coding strand, the complement: GP6 is on the minus strand). VCF-style: chr19-55032324-C-T. GRCh37 (hg19) VCF-style: chr19-55543692-C-T.
Other names: c.140G>A, p.Arg47Gln (NM_001083899.2, NM_001256017.2); short protein forms R47Q.
Identifiers: ClinVar variation 2747439 (VCV002747439.3), dbSNP rs750889036, ClinGen allele CA310134467.

ClinVar aggregate classification (germline): Uncertain significance (1 of 4 stars; one submission).

Allele frequency attached by ClinVar (database versions not stated): TOPMed below 0.00001; ExAC 0.00001; gnomAD 0.00001; gnomAD exomes 0.00001.
gnomAD v4.1: 19 of 1,613,976 alleles (0.0012%); highest among the groups gnomAD compares: East Asian, 0.0022%; no homozygotes.

Submission:

Labcorp Genetics (formerly Invitae), Labcorp
Classification: Uncertain significance. Last evaluated: 2023-10-23. Review status: criteria provided, single submitter. Criteria: Invitae Variant Classification Sherloc (09022015). Collection method: clinical testing. Allele origin: germline.
Comment: This sequence change replaces arginine, which is basic and polar, with glutamine, which is neutral and polar, at codon 47 of the GP6 protein (p.Arg47Gln). This variant is present in population databases (rs750889036, gnomAD 0.006%). This variant has not been reported in the literature in individuals affected with GP6-related conditions. Algorithms developed to predict the effect of missense changes on protein structure and function output the following: SIFT: "Not Available"; PolyPhen-2: "Benign"; Align-GVGD: "Not Available". The glutamine amino acid residue is found in multiple mammalian species, which suggests that this missense change does not adversely affect protein function. In summary, the available evidence is currently insufficient to determine the role of this variant in disease. Therefore, it has been classified as a Variant of Uncertain Significance.